The following is an entry in ClinVar:

NC_000017.10:g.(41247940_41249260)_(41256279_41256884)del

Gene: BRCA1 (BRCA1 DNA repair associated; minus strand). Cytogenetic location: 17q21.31.
Variant type: Deletion.
Identifiers: ClinVar variation 2581532 (VCV002581532.1).

ClinVar aggregate classification (germline): Likely pathogenic (1 of 4 stars; one submission).

Conditions:
Hereditary breast ovarian cancer syndrome. Also called: Hereditary breast and/or ovarian cancer syndrome; Hereditary breast and ovarian cancer; Breast and ovarian cancer; Hereditary breast and ovarian cancer syndrome; Hereditary breast and ovarian cancer syndrome (HBOC); BRCA1- and BRCA2-Associated Hereditary Breast and Ovarian Cancer. Identifiers: Orphanet 145, MedGen C0677776, MeSH D061325, MONDO:0003582. Disease mechanism: loss of function.

Submission:

Women's Health and Genetics/Laboratory Corporation of America, LabCorp
Classification: Likely pathogenic for Hereditary breast ovarian cancer syndrome. Last evaluated: 2023-08-07. Review status: criteria provided, single submitter. Criteria: LabCorp Variant Classification Summary - May 2015. Collection method: clinical testing. Allele origin: germline.
Comment: Variant summary: The variant identified by MLPA or other technology involves the deletion of exons 6-8 in the BRCA1 gene. A presumed nomenclature of c.(301+1_302-1)_(593+1_594-1)del has been designated for the purposes of this classification. Although exact breakpoints of this deletion are not known, it is expected to result in a frameshift in the BRCA1 gene, a known mechanism of disease. The variant was absent in 21694 control chromosomes (gnomAD). To our knowledge, no occurrence of c.(301+1_302-1)_(593+1_594-1)del in individuals affected with Hereditary Breast And Ovarian Cancer Syndrome and no experimental evidence demonstrating its impact on protein function have been reported. Overlapping deletions: exon 7del and exons 7-8del are classified pathogenic internally. No submitters have cited clinical-significance assessments for this variant to ClinVar after 2014. Based on the evidence outlined above, the variant was classified as likely pathogenic.